The following is an entry in ClinVar:

ClinVar aggregate classification (germline): Uncertain significance (1 of 4 stars; one submission).

Submission:

GeneDx
Classification: Uncertain significance. Last evaluated: 2023-02-15. Review status: criteria provided, single submitter. Criteria: GeneDx Variant Classification Process June 2021. Collection method: clinical testing. Allele origin: germline. Affected: yes.
Comment: Not observed at significant frequency in large population cohorts (gnomAD); In silico analysis supports that this missense variant does not alter protein structure/function; Has not been previously published as pathogenic or benign to our knowledge

NM_001429.4(EP300):c.4177G>A (p.Val1393Ile)

Gene: EP300 (E1A binding protein p300; plus strand). Cytogenetic location: 22q13.2.
Variant type: single nucleotide variant.
Coding change: c.4177G>A on transcript NM_001429.4 (MANE Select); coding-DNA position 4177, G replaced by A.
Protein change: p.Val1393Ile; replaces valine 1393 with isoleucine.
Molecular consequence: missense variant.
Genome position (GRCh38, 1-based): chr22:41,169,507, G>A. VCF-style: chr22-41169507-G-A. GRCh37 (hg19) VCF-style: chr22-41565511-G-A.
Other names: c.4099G>A, p.Val1367Ile (NM_001362843.2); short protein forms V1367I, V1393I.
Identifiers: ClinVar variation 2576737 (VCV002576737.1), dbSNP rs2059158153, ClinGen allele CA411701409.